The following is an entry in ClinVar:

ClinVar aggregate classification (germline): Uncertain significance (1 of 4 stars; one submission).

Allele frequency attached by ClinVar (database versions not stated): TOPMed below 0.00001.

Submission:

Labcorp Genetics (formerly Invitae), Labcorp
Classification: Uncertain significance. Last evaluated: 2021-10-09. Review status: criteria provided, single submitter. Criteria: Invitae Variant Classification Sherloc (09022015). Collection method: clinical testing. Allele origin: germline.
Comment: This sequence change replaces glycine with alanine at codon 754 of the ZNF469 protein (p.Gly754Ala). The glycine residue is weakly conserved and there is a small physicochemical difference between glycine and alanine. The frequency data for this variant in the population databases is considered unreliable, as metrics indicate insufficient coverage at this position in the ExAC database. This variant has not been reported in the literature in individuals affected with ZNF469-related conditions. Algorithms developed to predict the effect of missense changes on protein structure and function (SIFT, PolyPhen-2, Align-GVGD) all suggest that this variant is likely to be tolerated. In summary, the available evidence is currently insufficient to determine the role of this variant in disease. Therefore, it has been classified as a Variant of Uncertain Significance.

NM_001367624.2(ZNF469):c.2261G>C (p.Gly754Ala)

Gene: ZNF469 (zinc finger protein 469; plus strand). Cytogenetic location: 16q24.2.
Variant type: single nucleotide variant.
Coding change: c.2261G>C on transcript NM_001367624.2 (MANE Select); coding-DNA position 2261, G replaced by C.
Protein change: p.Gly754Ala; replaces glycine 754 with alanine.
Molecular consequence: missense variant.
Genome position (GRCh38, 1-based): chr16:88,429,731, G>C. VCF-style: chr16-88429731-G-C. GRCh37 (hg19) VCF-style: chr16-88496139-G-C.
Other names: short protein forms G754A.
Identifiers: ClinVar variation 1371511 (VCV001371511.6), dbSNP rs1297413439, ClinGen allele CA397070920.